The following is an entry in ClinVar:

ClinVar aggregate classification (germline): Pathogenic/Likely pathogenic. Review status: criteria provided, multiple submitters, no conflicts (2 of 4 stars). 5 submissions from 5 submitters: Pathogenic (3); Likely pathogenic (1). 1 of the submissions does not count toward it. Last evaluated 2025-06-26.

Conditions:
Congenital disorder of glycosylation type 1E (CDG1E). Also called: CDG Ie; CONGENITAL DISORDER OF GLYCOSYLATION, TYPE Ie. Identifiers: Orphanet 79322, MedGen C1837396, MONDO:0012123, OMIM 608799.

Allele frequency attached by ClinVar (database versions not stated): gnomAD exomes below 0.00001 and 0.00002; TOPMed below 0.00001.
gnomAD v4.1: 6 of 1,614,140 alleles (0.00037%); highest among the groups gnomAD compares: Admixed American, 0.0083%; no homozygotes.

Submissions (5):

3billion
Classification: Pathogenic for Congenital disorder of glycosylation type 1E. Last evaluated: 2025-06-26. Review status: criteria provided, single submitter. Criteria: ACMG Guidelines, 2015. Collection method: clinical testing. Allele origin: germline. Affected: yes.
Comment: The variant is observed at an extremely low frequency in the gnomAD v4.1.0 dataset (total allele frequency: <0.001%). Predicted Consequence/Location: Missense variant Functional studies provide moderate evidence of the variant having a damaging effect on the gene or gene product (PMID: 23856421, 26729507). In silico tool predictions suggest damaging effect of the variant on gene or gene product [3Cnet: 0.99 (> 0.75, sensitivity 0.96 and precision 0.92)]. The same nucleotide change resulting in the same amino acid change has been previously reported as pathogenic/likely pathogenic with strong evidence (ClinVar ID: VCV000100636 /PMID: 23856421 /3billion dataset). The variant has been reported to be in trans with a pathogenic variant as either compound heterozygous or homozygous in at least one similarly affected unrelated individual (PMID: 23856421). Therefore, this variant is classified as Pathogenic according to the recommendation of ACMG/AMP guideline.

GeneDx
Classification: Pathogenic. Last evaluated: 2025-06-20. Review status: criteria provided, single submitter. Criteria: GeneDx Variant Classification Process June 2021. Collection method: clinical testing. Allele origin: germline. Affected: yes.
Comment: Published functional studies demonstrate complete loss of function (PMID: 26729507, 23856421); In silico analysis supports that this missense variant has a deleterious effect on protein structure/function; Not observed at significant frequency in large population cohorts (gnomAD); This variant is associated with the following publications: (PMID: 31003021, 23856421, 26729507, 28743912)

Labcorp Genetics (formerly Invitae), Labcorp
Classification: Pathogenic for Congenital disorder of glycosylation type 1E. Last evaluated: 2025-04-14. Review status: criteria provided, single submitter. Criteria: Invitae Variant Classification Sherloc (09022015). Collection method: clinical testing. Allele origin: germline.
Comment: This sequence change replaces glycine, which is neutral and non-polar, with valine, which is neutral and non-polar, at codon 152 of the DPM1 protein (p.Gly152Val). This variant is present in population databases (no rsID available, gnomAD 0.01%). This missense change has been observed in individual(s) with congenital disorder of glycosylation type 1 (PMID: 23856421; internal data). In at least one individual the data is consistent with being in trans (on the opposite chromosome) from a pathogenic variant. ClinVar contains an entry for this variant (Variation ID: 100636). An algorithm developed to predict the effect of missense changes on protein structure and function (PolyPhen-2) suggests that this variant is likely to be disruptive. Experimental studies have shown that this missense change affects DPM1 function (PMID: 23856421, 26729507). For these reasons, this variant has been classified as Pathogenic.

Women's Health and Genetics/Laboratory Corporation of America, LabCorp
Classification: Likely pathogenic for Congenital disorder of glycosylation type 1E. Last evaluated: 2024-10-01. Review status: criteria provided, single submitter. Criteria: LabCorp Variant Classification Summary - May 2015. Collection method: clinical testing. Allele origin: germline.
Comment: Variant summary: DPM1 c.455G>T (p.Gly152Val) results in a non-conservative amino acid change located in the Glycosyltransferase 2-like domain (IPR001173) of the encoded protein sequence. Four of five in-silico tools predict a damaging effect of the variant on protein function. The variant allele was found at a frequency of 1.6e-05 in 251472 control chromosomes. c.455G>T has been reported in the literature in at least one individual affected with Congenital Disorder Of Glycosylation Type 1E (Yang_2013). Several publications report experimental evidence evaluating an impact on protein function, finding that the variant abolishes binding to DPM3, a non-catalytic subunit of the DPM complex (Yang_2013), reduced activity by 70% in a zebrafish model (Ardiccioni_2016), and abolished activity when the orthologous residue was mutated in a cyanobacterium model (Ardiccioni_2016). The following publications have been ascertained in the context of this evaluation (PMID: 31003021, 26729507, 28743912, 23856421). ClinVar contains an entry for this variant (Variation ID: 100636). Based on the evidence outlined above, the variant was classified as likely pathogenic.

OMIM
Classification: Pathogenic for CONGENITAL DISORDER OF GLYCOSYLATION, TYPE Ie. Last evaluated: 2013-11-01. Review status: no assertion criteria provided. Collection method: literature only. Allele origin: germline. Not counted in ClinVar's aggregate classification.

Literature cited by the submitters: PubMed 23856421 (cited by 4 submitters); PubMed 26729507 (cited by 3 submitters); PubMed 31003021 (cited by Women's Health and Genetics/Laboratory Corporation of America, LabCorp); PubMed 28743912 (cited by Women's Health and Genetics/Laboratory Corporation of America, LabCorp).

NM_003859.3(DPM1):c.455G>T (p.Gly152Val)

Genes: ADNP-AS1 (ADNP antisense RNA 1; plus strand), DPM1 (dolichyl-phosphate mannosyltransferase subunit 1, catalytic; minus strand). Cytogenetic location: 20q13.13.
Variant type: single nucleotide variant.
Coding change: c.455G>T on transcript NM_003859.3 (MANE Select); coding-DNA position 455, G replaced by T.
Protein change: p.Gly152Val; replaces glycine 152 with valine.
Molecular consequence: missense variant. On other transcripts: non-coding transcript variant (1).
Genome position (GRCh38, 1-based): chr20:50,942,070, C>A on the plus strand (G>T on the coding strand, the complement: DPM1 is on the minus strand). VCF-style: chr20-50942070-C-A. GRCh37 (hg19) VCF-style: chr20-49558607-C-A.
Other names: c.455G>T, p.Gly152Val (NM_001317034.1, NM_001317035.1, NM_001317036.1); c.455G>T (NM_003859.2); short protein forms G152V.
Identifiers: ClinVar variation 100636 (VCV000100636.16), dbSNP rs587777116, ClinGen allele CA150577.